The following is an entry in ClinVar:

NM_032444.4(SLX4):c.1189A>G (p.Lys397Glu)

Gene: SLX4 (SLX4 structure-specific endonuclease subunit; minus strand). Cytogenetic location: 16p13.3.
Variant type: single nucleotide variant.
Coding change: c.1189A>G on transcript NM_032444.4 (MANE Select); coding-DNA position 1189, A replaced by G.
Protein change: p.Lys397Glu; replaces lysine 397 with glutamic acid.
Molecular consequence: missense variant.
Genome position (GRCh38, 1-based): chr16:3,597,974, T>C on the plus strand (A>G on the coding strand, the complement: SLX4 is on the minus strand). VCF-style: chr16-3597974-T-C. GRCh37 (hg19) VCF-style: chr16-3647975-T-C.
Other names: short protein forms K397E.
Identifiers: ClinVar variation 949062 (VCV000949062.11), dbSNP rs202204661, ClinGen allele CA7866599.
Genomic context (GRCh38, chr16:3,597,974, plus strand): 5'-GTGCCTCGTCCACCTTCCGCCTCTTCCGTGGCTCCTTCTTGCTGGTGGGTCCTCTCCGTT[T>C]CAGACCTCTACTGTGATCACTGAAGCTAGAAAACAGCCAAAGAGAAAAGTTACTGGGGCT-3'
Protein context (NP_115820.2, residues 387-407): FSFSDHSRGL[Lys397Glu]RRGPTSKKEP

ClinVar aggregate classification (germline): Uncertain significance. Review status: criteria provided, multiple submitters, no conflicts (2 of 4 stars). 4 submissions from 4 submitters: Uncertain significance (4). Last evaluated 2025-06-07.

Conditions:
Inborn genetic diseases. Identifiers: MedGen C0950123, MeSH D030342.
Fanconi anemia (FA). Also called: Fanconi's anemia. Identifiers: Orphanet 84, MedGen C0015625, MeSH D005199, MONDO:0019391.
Fanconi anemia complementation group P. Also called: SLX4-Related Fanconi Anemia. Identifiers: Orphanet 84, MedGen C3469542, MONDO:0013499, OMIM 613951.

Allele frequency attached by ClinVar (database versions not stated): ExAC 0.00001; gnomAD 0.00001; gnomAD exomes 0.00001 and 0.00002; TOPMed 0.00002; 1000 Genomes Project 0.00020; 1000 Genomes Project 30x 0.00031.
gnomAD v4.1: 10 of 1,614,178 alleles (0.00062%); highest among the groups gnomAD compares: Admixed American, 0.0083%; no homozygotes.

Submissions (4):

Ambry Genetics
Classification: Uncertain significance for Inborn genetic diseases. Last evaluated: 2025-06-07. Review status: criteria provided, single submitter. Criteria: Ambry Variant Classification Scheme 2023. Collection method: clinical testing. Allele origin: germline.

Labcorp Genetics (formerly Invitae), Labcorp
Classification: Uncertain significance for Fanconi anemia. Last evaluated: 2023-10-05. Review status: criteria provided, single submitter. Criteria: Invitae Variant Classification Sherloc (09022015). Collection method: clinical testing. Allele origin: germline.
Comment: This sequence change replaces lysine, which is basic and polar, with glutamic acid, which is acidic and polar, at codon 397 of the SLX4 protein (p.Lys397Glu). This variant is present in population databases (rs202204661, gnomAD 0.01%). This variant has not been reported in the literature in individuals affected with SLX4-related conditions. ClinVar contains an entry for this variant (Variation ID: 949062). An algorithm developed to predict the effect of missense changes on protein structure and function (PolyPhen-2) suggests that this variant is likely to be disruptive. In summary, the available evidence is currently insufficient to determine the role of this variant in disease. Therefore, it has been classified as a Variant of Uncertain Significance.

Fulgent Genetics
Classification: Uncertain significance for Fanconi anemia complementation group P. Last evaluated: 2022-02-06. Review status: criteria provided, single submitter. Criteria: ACMG Guidelines, 2015. Collection method: clinical testing. Allele origin: unknown.

Sema4
Classification: Uncertain significance for Fanconi anemia. Last evaluated: 2021-11-08. Review status: criteria provided, single submitter. Criteria: Sema4 Curation Guidelines. Collection method: curation. Allele origin: germline.
Comment: The SLX4 c.1189A>G (p.K397E) variant has not been reported in the literature to our knowledge. It was observed in 4/34592chromosomes of the Latino subpopulation in the large and broad cohorts of the Genome Aggregation Database (PMID: 32461654). The variant has been reported in ClinVar (Variation ID: 949062). Functional studies have not been performed, and in silico predictions of the variant's effect on protein function are inconclusive. The evidence is insufficient to meet ACMG/AMP criteria for classifying the variant as benign or pathogenic. Thus, the clinical significance of this variant is currently uncertain.